The following is an entry in ClinVar:

NM_003482.4(KMT2D):c.4222T>G (p.Cys1408Gly)

Gene: KMT2D (lysine methyltransferase 2D; minus strand). Cytogenetic location: 12q13.12.
Variant type: single nucleotide variant.
Coding change: c.4222T>G on transcript NM_003482.4 (MANE Select); coding-DNA position 4222, T replaced by G.
Protein change: p.Cys1408Gly; replaces cysteine 1408 with glycine.
Molecular consequence: missense variant.
Genome position (GRCh38, 1-based): chr12:49,047,979, A>C on the plus strand (T>G on the coding strand, the complement: KMT2D is on the minus strand). VCF-style: chr12-49047979-A-C. GRCh37 (hg19) VCF-style: chr12-49441762-A-C.
Other names: short protein forms C1408G.
Identifiers: ClinVar variation 531883 (VCV000531883.10), dbSNP rs1555195432, ClinGen allele CA384649101.

ClinVar aggregate classification (germline): Likely pathogenic (1 of 4 stars; one submission).

Conditions:
Kabuki syndrome. Also called: Kabuki make-up syndrome; NIIKAWA-KUROKI SYNDROME. Identifiers: Orphanet 2322, MedGen C0796004, MONDO:0016512.

Submission:

Labcorp Genetics (formerly Invitae), Labcorp
Classification: Likely pathogenic for Kabuki syndrome. Last evaluated: 2019-01-11. Review status: criteria provided, single submitter. Criteria: Invitae Variant Classification Sherloc (09022015). Collection method: clinical testing. Allele origin: germline.
Comment: This variant is not present in population databases (ExAC no frequency). Algorithms developed to predict the effect of missense changes on protein structure and function are either unavailable or do not agree on the potential impact of this missense change (SIFT: "Deleterious"; PolyPhen-2: "Probably Damaging"; Align-GVGD: "Class C0"). In summary, the currently available evidence indicates that the variant is pathogenic, but additional data are needed to prove that conclusively. Therefore, this variant has been classified as Likely Pathogenic. This sequence change replaces cysteine with glycine at codon 1408 of the KMT2D protein (p.Cys1408Gly). The cysteine residue is highly conserved and there is a large physicochemical difference between cysteine and glycine.